The following is an entry in ClinVar:

ClinVar aggregate classification (germline): Pathogenic/Likely pathogenic. Review status: criteria provided, multiple submitters, no conflicts (2 of 4 stars). 14 submissions from 14 submitters: Pathogenic (7); Likely pathogenic (5). 2 of the submissions do not count toward it. Last evaluated 2026-01-26.

Conditions:
Inborn genetic diseases. Identifiers: MedGen C0950123, MeSH D030342.
LMBRD2-related disorder.
Developmental delay with variable neurologic and brain abnormalities (MLHNS). Also called: MALHOTRA NEURODEVELOPMENTAL SYNDROME. Identifiers: MedGen C5562060, MONDO:0859218, OMIM 619694.
Neurodevelopmental disorder. Identifiers: MedGen C1535926, MeSH D065886, MONDO:0700092.

Submissions (14):

Medical and Scientific Branch, Hong Kong Genome Institute
Classification: Likely pathogenic for Developmental delay with variable neurologic and brain abnormalities. Last evaluated: 2026-01-26. Review status: criteria provided, single submitter. Criteria: ACMG Guidelines, 2015. Collection method: clinical testing. Allele origin: de novo. Affected: yes.

3billion
Classification: Pathogenic for Developmental delay with variable neurologic and brain abnormalities. Last evaluated: 2025-12-26. Review status: criteria provided, single submitter. Criteria: ACMG Guidelines, 2015. Collection method: clinical testing. Allele origin: germline. Affected: yes.
Comment: The variant is not observed in the gnomAD v4.1.0 dataset. Predicted Consequence/Location: Missense variant. Missense changes are a common disease-causing mechanism. In silico tool predictions suggest damaging effect of the variant on gene or gene product [REVEL: 0.65 (>=0.6, sensitivity 0.68 and specificity 0.92); 3Cnet: 0.94 (> 0.75, sensitivity 0.96 and precision 0.92)]. The same nucleotide change resulting in the same amino acid change has been previously reported as pathogenic/likely pathogenic with strong evidence (ClinVar ID: VCV001334128 /PMID: 32820033 /3billion dataset). The variant has been previously reported as de novo in a similarly affected individual (PMID: 32820033). The variant has been observed in at least two similarly affected unrelated individuals (PMID: 32820033). A different missense change at the same codon (p.Arg483Cys) has been reported to be associated with LMBRD2-related disorder (ClinVar ID: VCV000982396). Therefore, this variant is classified as Pathogenic according to the recommendation of ACMG/AMP guideline.

Ambry Genetics
Classification: Pathogenic for Inborn genetic diseases. Last evaluated: 2025-03-24. Review status: criteria provided, single submitter. Criteria: Ambry Variant Classification Scheme 2023. Collection method: clinical testing. Allele origin: germline.
Comment: The c.1448G>A (p.R483H) alteration is located in exon 12 (coding exon 11) of the LMBRD2 gene. This alteration results from a G to A substitution at nucleotide position 1448, causing the arginine (R) at amino acid position 483 to be replaced by a histidine (H). This variant was not reported in population-based cohorts in the Genome Aggregation Database (gnomAD). This variant was determined to be de novo in at least one individual with features consistent with LMBRD2-related neurodevelopmental disorder (Malhotra, 2021). This amino acid position is highly conserved in available vertebrate species. This missense alteration is located in a region that has a low rate of benign missense variation (Lek, 2016; Firth, 2009). This alteration is predicted to be deleterious by in silico analysis. Based on the available evidence, this alteration is classified as pathogenic.

Variantyx, Inc.
Classification: Pathogenic for Developmental delay with variable neurologic and brain abnormalities. Last evaluated: 2025-03-13. Review status: criteria provided, single submitter. Criteria: Variantyx Assertion Criteria 2022. Collection method: clinical testing. Allele origin: de novo. Inheritance: Autosomal dominant inheritance. Affected: yes.
Comment: This is a nonsynonymous variant in the LMBRD2 gene (OMIM: 619490). Pathogenic variants in this gene have been associated with autosomal dominant developmental delay with variable neurologic and brain abnormalities. This variant likely occurred de novo in the current proband and previously reported patients in the literature; however, the possibility of parental germline mosaicism cannot be excluded (PMID: 32820033) (PS2_Very_Strong). Multiple computational algorithms predict a deleterious effect for this variant (REVEL score: 0.65) (PP3). This variant is absent from control populations (PM2). Based on the current evidence, this variant is classified as pathogenic for autosomal dominant developmental delay with variable neurologic and brain abnormalities.

Institute of Human Genetics, University Hospital of Duesseldorf
Classification: Likely pathogenic for Developmental delay with variable neurologic and brain abnormalities. Last evaluated: 2025-01-22. Review status: criteria provided, single submitter. Criteria: ACMG Guidelines, 2015. Collection method: not provided. Allele origin: germline. Inheritance: Autosomal dominant inheritance. Affected: yes.
Comment: PS4_Mod, PM5, PM6 (de novo in our patient), PM2_Sup, PP3

Institute of Medical Genetics and Applied Genomics, University Hospital Tübingen
Classification: Likely pathogenic for Developmental delay with variable neurologic and brain abnormalities. Last evaluated: 2024-11-13. Review status: criteria provided, single submitter. Criteria: ACMG Guidelines, 2015. Collection method: clinical testing. Allele origin: de novo. Inheritance: Autosomal dominant inheritance. Affected: yes.

Centre of Medical Genetics, University Hospital Muenster
Classification: Likely pathogenic. Last evaluated: 2024-11-05. Review status: criteria provided, single submitter. Criteria: ACMG Guidelines, 2015. Collection method: clinical testing. Allele origin: unknown. Affected: yes. Observed: 1 variant allele, 1 heterozygote.
Comment: ACMG categories: PS4,PM2,PM5,PP3

Women's Health and Genetics/Laboratory Corporation of America, LabCorp
Classification: Pathogenic for Developmental delay with variable neurologic and brain abnormalities. Last evaluated: 2023-09-01. Review status: criteria provided, single submitter. Criteria: LabCorp Variant Classification Summary - May 2015. Collection method: clinical testing. Allele origin: germline.
Comment: Variant summary: LMBRD2 c.1448G>A (p.Arg483His) results in a non-conservative amino acid change in the encoded protein sequence. Four of five in-silico tools predict a damaging effect of the variant on protein function. The variant was absent in 246142 control chromosomes (gnomAD). c.1448G>A has been reported in the literature occuring de novo in three individuals affected with Developmental Delay With Variable Neurologic And Brain Abnormalities (Malhotra_2021). These data indicate that the variant is very likely to be associated with disease. To our knowledge, no experimental evidence demonstrating an impact on protein function has been reported. The following publication have been ascertained in the context of this evaluation (PMID: 32820033). Four ClinVar submitters have assessed the variant since 2014: two classified the variant as likely pathogenic, and two as pathogenic. Based on the evidence outlined above, the variant was classified as pathogenic.

GeneDx
Classification: Pathogenic. Last evaluated: 2023-01-27. Review status: criteria provided, single submitter. Criteria: GeneDx Variant Classification Process June 2021. Collection method: clinical testing. Allele origin: germline. Affected: yes.
Comment: Not observed at significant frequency in large population cohorts (gnomAD); In silico analysis supports that this missense variant has a deleterious effect on protein structure/function; This variant is associated with the following publications: (PMID: 32820033)

PreventionGenetics, part of Exact Sciences
Classification: Pathogenic for LMBRD2-related condition. Last evaluated: 2022-09-15. Review status: criteria provided, single submitter. Criteria: ACMG Guidelines, 2015. Collection method: clinical testing. Allele origin: germline.
Comment: The LMBRD2 c.1448G>A variant is predicted to result in the amino acid substitution p.Arg483His. This variant was reported as being de novo in multiple individuals with developmental/motor delays, structural brain anomalies, and dysmorphic features (Malhotra et al. 2021. PubMed ID: 32820033). This variant has not been reported in a large population database, indicating this variant is rare. This variant is interpreted as pathogenic.

Laboratory of Molecular Genetics (Pr. Bezieau's lab), CHU de Nantes
Classification: Likely pathogenic for Neurodevelopmental disorder. Last evaluated: 2021-11-23. Review status: criteria provided, single submitter. Criteria: ACMG Guidelines, 2015. Collection method: clinical testing. Allele origin: germline. Affected: yes.

Centre de Biologie Pathologie Génétique, Centre Hospitalier Universitaire de Lille
Classification: Pathogenic for Developmental delay with variable neurologic and brain abnormalities. Review status: criteria provided, single submitter. Criteria: ACMG Guidelines, 2015. Collection method: clinical testing. Allele origin: de novo. Affected: yes.

OMIM
Classification: Pathogenic for MALHOTRA NEURODEVELOPMENTAL SYNDROME. Last evaluated: 2026-09-25. Review status: no assertion criteria provided. Collection method: literature only. Allele origin: germline. Not counted in ClinVar's aggregate classification.

Clinical Genetics Laboratory, University Hospital Schleswig-Holstein
Classification: Pathogenic for Developmental delay with variable neurologic and brain abnormalities. Last evaluated: 2024-02-14. Review status: no assertion criteria provided. Collection method: clinical testing. Allele origin: germline. Affected: yes. Not counted in ClinVar's aggregate classification.

Literature cited by the submitters: PubMed 32820033 (cited by 6 submitters).

NM_001007527.2(LMBRD2):c.1448G>A (p.Arg483His)

Gene: LMBRD2 (LMBR1 domain containing 2; minus strand). Cytogenetic location: 5p13.2.
Variant type: single nucleotide variant.
Coding change: c.1448G>A on transcript NM_001007527.2 (MANE Select); coding-DNA position 1448, G replaced by A.
Protein change: p.Arg483His; replaces arginine 483 with histidine.
Molecular consequence: missense variant.
Genome position (GRCh38, 1-based): chr5:36,115,109, C>T on the plus strand (G>A on the coding strand, the complement: LMBRD2 is on the minus strand). VCF-style: chr5-36115109-C-T. GRCh37 (hg19) VCF-style: chr5-36115211-C-T.
Other names: c.1448G>A (NM_001007527.1); short protein forms R483H.
Identifiers: ClinVar variation 1334128 (VCV001334128.19), dbSNP rs2111857835, ClinGen allele CA359444523.